The following is an entry in ClinVar:

NC_000016.9:g.(?_83948541)_(83949094_?)del

Gene: MLYCD (malonyl-CoA decarboxylase; plus strand). Cytogenetic location: 16q23.3.
Variant type: Deletion.
Identifiers: ClinVar variation 3243344 (VCV003243344.1).

ClinVar aggregate classification (germline): Pathogenic (1 of 4 stars; one submission).

Conditions:
Deficiency of malonyl-CoA decarboxylase. Also called: Malonic aciduria; MCD deficiency. Identifiers: Orphanet 943, MedGen C0342793, MONDO:0009556, OMIM 248360.

Submission:

Labcorp Genetics (formerly Invitae), Labcorp
Classification: Pathogenic for Deficiency of malonyl-CoA decarboxylase. Last evaluated: 2023-05-02. Review status: criteria provided, single submitter. Criteria: Invitae Variant Classification Sherloc (09022015). Collection method: clinical testing. Allele origin: unknown.
Comment: For these reasons, this variant has been classified as Pathogenic. A similar copy number variant has been observed in individual(s) with malonyl-CoA decarboxylase deficiency (PMID: 31395333; Invitae). This variant is a gross deletion of the genomic region encompassing exon(s) 5 of the MLYCD gene, which includes the termination codon. This deletion extends beyond the assayed region for this gene and therefore may encompass additional genes. While this deletion is not anticipated to lead to nonsense mediated decay, it is expected to alter mRNA translation or result in a truncated protein product.

Literature cited by the submitters: PubMed 31395333.